The following is an entry in ClinVar:

ClinVar aggregate classification (germline): Likely pathogenic (1 of 4 stars; one submission).

Conditions:
Schöpf-Schulz-Passarge syndrome. Also called: ECCRINE TUMORS WITH ECTODERMAL DYSPLASIA; KERATOSIS PALMOPLANTARIS WITH CYSTIC EYELIDS, HYPODONTIA, AND HYPOTRICHOSIS; SchC6pf-Schulz-Passarge syndrome. Identifiers: Orphanet 50944, MedGen C1857069, MONDO:0009145, OMIM 224750.

Submission:

Natera, Inc.
Classification: Likely pathogenic for Schopf-Schulz-Passarge syndrome. Last evaluated: 2025-05-14. Review status: criteria provided, single submitter. Criteria: Natera Variant Classification Schema (03/2026). Collection method: clinical testing. Allele origin: germline.
Comment: The c.977_993dup variant in WNT10A is a frameshift variant predicted to elongate the protein beyond the termination codon. This variant is expected to result in nonsense mediated decay, truncation, or a dysfunctional protein product. This variant is rare in the general population with a frequency below the threshold expected for the associated phenotype(s). Given the available evidence, this variant is classified as Likely Pathogenic.

NM_025216.3(WNT10A):c.977_993dup (p.Ser332fs)

Gene: WNT10A (Wnt family member 10A; plus strand). Cytogenetic location: 2q35.
Variant type: Duplication.
Coding change: c.977_993dup on transcript NM_025216.3 (MANE Select); coding-DNA positions 977 to 993, 17 bases duplicated (GGCCGCGCCGACGGGCC).
Protein change: p.Ser332fs; shifts the reading frame from serine 332.
Molecular consequence: frameshift variant.
Genome position (GRCh38, 1-based): chr2:218,892,994-218,893,010, GGCCGCGCCGACGGGCC duplicated. VCF-style (leftmost placement, unchanged base first): chr2-218892993-G-GGGCCGCGCCGACGGGCC. GRCh37 (hg19) VCF-style: chr2-219757715-G-GGGCCGCGCCGACGGGCC.
Other names: short protein forms S332fs.
Identifiers: ClinVar variation 4063350 (VCV004063350.2).